The following is an entry in ClinVar:

ClinVar aggregate classification (germline): Uncertain significance. Review status: criteria provided, multiple submitters, no conflicts (2 of 4 stars). 2 submissions from 2 submitters: Uncertain significance (2). Last evaluated 2025-12-22.

Allele frequency attached by ClinVar (database versions not stated): ExAC 0.00001; gnomAD exomes 0.00001 and 0.00002; gnomAD 0.00003; TOPMed 0.00004; ESP Exome Variant Server 0.00008.
gnomAD v4.1: 20 of 1,611,402 alleles (0.0012%); highest among the groups gnomAD compares: Admixed American, 0.013%; no homozygotes.

Submissions (2):

Labcorp Genetics (formerly Invitae), Labcorp
Classification: Uncertain significance. Last evaluated: 2025-12-22. Review status: criteria provided, single submitter. Criteria: Invitae Variant Classification Sherloc (09022015). Collection method: clinical testing. Allele origin: germline.
Comment: This sequence change replaces tyrosine, which is neutral and polar, with cysteine, which is neutral and slightly polar, at codon 213 of the CCT2 protein (p.Tyr213Cys). This variant is present in population databases (rs371853509, gnomAD 0.01%). This variant has not been reported in the literature in individuals affected with CCT2-related conditions. ClinVar contains an entry for this variant (Variation ID: 938381). An algorithm developed to predict the effect of missense changes on protein structure and function (PolyPhen-2) suggests that this variant is likely to be tolerated. In summary, the available evidence is currently insufficient to determine the role of this variant in disease. Therefore, it has been classified as a Variant of Uncertain Significance.

Ambry Genetics
Classification: Uncertain significance. Last evaluated: 2024-08-19. Review status: criteria provided, single submitter. Criteria: Ambry Variant Classification Scheme 2023. Collection method: clinical testing. Allele origin: germline.

NM_006431.3(CCT2):c.638A>G (p.Tyr213Cys)

Gene: CCT2 (chaperonin containing TCP1 subunit 2; plus strand). Cytogenetic location: 12q15.
Variant type: single nucleotide variant.
Coding change: c.638A>G on transcript NM_006431.3 (MANE Select); coding-DNA position 638, A replaced by G.
Protein change: p.Tyr213Cys; replaces tyrosine 213 with cysteine.
Molecular consequence: missense variant.
Genome position (GRCh38, 1-based): chr12:69,589,676, A>G. VCF-style: chr12-69589676-A-G. GRCh37 (hg19) VCF-style: chr12-69983456-A-G.
Other names: c.497A>G, p.Tyr166Cys (NM_001198842.2); short protein forms Y166C, Y213C.
Identifiers: ClinVar variation 938381 (VCV000938381.10), dbSNP rs371853509, ClinGen allele CA6680622.